The following is an entry in ClinVar:

ClinVar aggregate classification (germline): Uncertain significance (1 of 4 stars; one submission).

Allele frequency attached by ClinVar (database versions not stated): gnomAD exomes below 0.00001.
gnomAD v4.1: 1 of 1,610,098 alleles (0.000062%); highest among the groups gnomAD compares: East Asian, 0.0022%; no homozygotes.

Submission:

Labcorp Genetics (formerly Invitae), Labcorp
Classification: Uncertain significance. Last evaluated: 2024-03-04. Review status: criteria provided, single submitter. Criteria: Invitae Variant Classification Sherloc (09022015). Collection method: clinical testing. Allele origin: germline.
Comment: This sequence change replaces glutamic acid, which is acidic and polar, with lysine, which is basic and polar, at codon 47 of the CEP250 protein (p.Glu47Lys). This variant is not present in population databases (gnomAD no frequency). This variant has not been reported in the literature in individuals affected with CEP250-related conditions. ClinVar contains an entry for this variant (Variation ID: 1471060). An algorithm developed to predict the effect of missense changes on protein structure and function (PolyPhen-2) suggests that this variant is likely to be disruptive. In summary, the available evidence is currently insufficient to determine the role of this variant in disease. Therefore, it has been classified as a Variant of Uncertain Significance.

NM_007186.6(CEP250):c.139G>A (p.Glu47Lys)

Gene: CEP250 (centrosomal protein 250; plus strand). Cytogenetic location: 20q11.22.
Variant type: single nucleotide variant.
Coding change: c.139G>A on transcript NM_007186.6 (MANE Select); coding-DNA position 139, G replaced by A.
Protein change: p.Glu47Lys; replaces glutamic acid 47 with lysine.
Molecular consequence: missense variant. On other transcripts: 5 prime UTR variant (1).
Genome position (GRCh38, 1-based): chr20:35,462,506, G>A. VCF-style: chr20-35462506-G-A. GRCh37 (hg19) VCF-style: chr20-34050331-G-A.
Other names: c.-1761G>A (NM_001318219.1); short protein forms E47K.
Identifiers: ClinVar variation 1471060 (VCV001471060.8), dbSNP rs2062777969, ClinGen allele CA408751665.